The following is an entry in ClinVar:

NM_024312.5(GNPTAB):c.3197C>T (p.Thr1066Met)

Gene: GNPTAB (N-acetylglucosamine-1-phosphate transferase subunits alpha and beta; minus strand). Cytogenetic location: 12q23.2.
Variant type: single nucleotide variant.
Coding change: c.3197C>T on transcript NM_024312.5 (MANE Select); coding-DNA position 3197, C replaced by T.
Protein change: p.Thr1066Met; replaces threonine 1066 with methionine.
Molecular consequence: missense variant.
Genome position (GRCh38, 1-based): chr12:101,760,082, G>A on the plus strand (C>T on the coding strand, the complement: GNPTAB is on the minus strand). VCF-style: chr12-101760082-G-A. GRCh37 (hg19) VCF-style: chr12-102153860-G-A.
Other names: short protein forms T1066M.
Identifiers: ClinVar variation 306800 (VCV000306800.17), dbSNP rs34083392, ClinGen allele CA6746234.

ClinVar aggregate classification (germline): Benign/Likely benign. Review status: criteria provided, multiple submitters, no conflicts (2 of 4 stars). 5 submissions from 4 submitters: Benign (1); Likely benign (4). Last evaluated 2026-02-02.

Conditions:
Pseudo-Hurler polydystrophy. Also called: MUCOLIPIDOSIS IIIA; ML IIIA; Mucolipidosis III Alpha/Beta; ML III; ML III ALPHA/BETA; Type III Mucolipidosis. Identifiers: Orphanet 423461, Orphanet 577, MedGen C0033788, MONDO:0018931, OMIM 252600.
Mucolipidosis type II. Also called: Mucolipidosis II Alpha/Beta; ML II ALPHA/BETA; Mucolipidosis 2; ML 2; Inclusion cell disease; Leroy Disease. Identifiers: Orphanet 576, MedGen C2673377, MONDO:0009650, OMIM 252500.

Allele frequency attached by ClinVar (database versions not stated): gnomAD exomes 0.00182 and 0.00058; ExAC 0.00217; 1000 Genomes Project 30x 0.01140; 1000 Genomes Project 0.01078; ESP Exome Variant Server 0.00784; gnomAD 0.00720 and 0.00675; TOPMed 0.00751.
gnomAD v4.1: 1,911 of 1,613,482 alleles (0.12%); highest among the groups gnomAD compares: African/African-American, 2.2%; 19 homozygotes.

Submissions (5):

Labcorp Genetics (formerly Invitae), Labcorp
Classification: Benign for Pseudo-Hurler polydystrophy; Mucolipidosis type II. Last evaluated: 2026-02-02. Review status: criteria provided, single submitter. Criteria: Invitae Variant Classification Sherloc (09022015). Collection method: clinical testing. Allele origin: germline.

Fulgent Genetics
Classification: Likely benign for Mucolipidosis type II; Pseudo-Hurler polydystrophy. Last evaluated: 2021-09-08. Review status: criteria provided, single submitter. Criteria: ACMG Guidelines, 2015. Collection method: clinical testing. Allele origin: unknown.

Illumina Laboratory Services, Illumina
Classification: Likely benign for Pseudo-Hurler polydystrophy. Last evaluated: 2017-04-28. Review status: criteria provided, single submitter. Criteria: ICSL Variant Classification Criteria 13 December 2019. Collection method: clinical testing. Allele origin: germline.
Comment: This variant was observed as part of a predisposition screen in an ostensibly healthy population. A literature search was performed for the gene, cDNA change, and amino acid change (where applicable). No publications were found based on this search. Allele frequency data from public databases allowed determination this variant is unlikely to cause disease. Therefore, this variant is classified as likely benign.

Illumina Laboratory Services, Illumina
Classification: Likely benign for Mucolipidosis type II. Last evaluated: 2017-04-28. Review status: criteria provided, single submitter. Criteria: ICSL Variant Classification Criteria 13 December 2019. Collection method: clinical testing. Allele origin: germline.
Comment: the same text as in the submission from Illumina Laboratory Services, Illumina above.

Breakthrough Genomics
Classification: Likely benign. Review status: criteria provided, single submitter. Criteria: ACMG Guidelines, 2015. Collection method: not provided. Allele origin: germline. Inheritance: Autosomal recessive inheritance. Affected: yes.